The following is an entry in ClinVar:

ClinVar aggregate classification (germline): Uncertain significance (0 of 4 stars; one submission).

Conditions:
BBS4-related disorder. Also called: BBS4-related condition.

gnomAD v4.1: 2 of 1,614,052 alleles (0.00012%); highest among the groups gnomAD compares: Non-Finnish European, 0.00017%; no homozygotes.

Submission:

PreventionGenetics, part of Exact Sciences
Classification: Uncertain significance for BBS4-related condition. Last evaluated: 2024-09-03. Review status: no assertion criteria provided. Collection method: clinical testing. Allele origin: germline.
Comment: The BBS4 c.299G>A variant is predicted to result in the amino acid substitution p.Ser100Asn. To our knowledge, this variant has not been reported in the literature or in a large population database, indicating this variant is rare. At this time, the clinical significance of this variant is uncertain due to the absence of conclusive functional and genetic evidence.

NM_033028.5(BBS4):c.299G>A (p.Ser100Asn)

Gene: BBS4 (Bardet-Biedl syndrome 4; plus strand). Cytogenetic location: 15q24.1.
Variant type: single nucleotide variant.
Coding change: c.299G>A on transcript NM_033028.5 (MANE Select); coding-DNA position 299, G replaced by A.
Protein change: p.Ser100Asn; replaces serine 100 with asparagine.
Molecular consequence: missense variant. On other transcripts: 5 prime UTR variant (1), non-coding transcript variant (2).
Genome position (GRCh38, 1-based): chr15:72,715,369, G>A. VCF-style: chr15-72715369-G-A. GRCh37 (hg19) VCF-style: chr15-73007710-G-A.
Other names: c.-223G>A (NM_001252678.2); c.299G>A, p.Ser100Asn (NM_001320665.2); short protein forms S100N.
Identifiers: ClinVar variation 3354692 (VCV003354692.1).